The following is an entry in ClinVar:

NC_000003.12:g.169764612A>C

Gene: TERC (telomerase RNA component; minus strand). Cytogenetic location: 3q26.2.
Variant type: single nucleotide variant.
Genome position: GRCh38 VCF-style: chr3-169764612-A-C. GRCh37 (hg19) VCF-style: chr3-169482400-A-C.
Identifiers: ClinVar variation 1055188 (VCV001055188.9), dbSNP rs2108182721, ClinGen allele CA436714694.
Genomic context (GRCh38, chr3:169,764,612, plus strand): 5'-GGCGAGGGGTGACGGATGCGCACGATCGGCGTTCCCCCCACCAACAGGAAAGCGAACTGC[A>C]TGTGTGAGCCGAGTCCTGGGTGCACGTCCCACAGCTCAGGGAATCGCGCCGCGCGCGGGG-3'

ClinVar aggregate classification (germline): Uncertain significance (1 of 4 stars; one submission).

Conditions:
Dyskeratosis congenita, autosomal dominant 1 (DKCA1). Also called: Dyskeratosis congenita Scoggins type. Identifiers: Orphanet 1775, MedGen C4551974, MONDO:0007485, OMIM 127550. Inheritance: Variable.

Submission:

Labcorp Genetics (formerly Invitae), Labcorp
Classification: Uncertain significance for Dyskeratosis congenita, autosomal dominant 1. Last evaluated: 2023-08-30. Review status: criteria provided, single submitter. Criteria: Invitae Variant Classification Sherloc (09022015). Collection method: clinical testing. Allele origin: germline.
Comment: This variant occurs in the TERC gene, which encodes an RNA molecule that does not result in a protein product. This variant is not present in population databases (gnomAD no frequency). This variant has not been reported in the literature in individuals affected with TERC-related conditions. ClinVar contains an entry for this variant (Variation ID: 1055188). This variant is located within the BoxH/ACA scaRNA domain of the TERC RNA component, which is required for telomerase activity (PMID: 21844345). In summary, the available evidence is currently insufficient to determine the role of this variant in disease. Therefore, it has been classified as a Variant of Uncertain Significance.

Literature cited by the submitters: PubMed 21844345.